The following is an entry in ClinVar:

ClinVar aggregate classification (germline): Uncertain significance (1 of 4 stars; one submission).

Allele frequency attached by ClinVar (database versions not stated): ExAC 0.00001.
gnomAD v4.1: 2 of 1,613,694 alleles (0.00012%); highest among the groups gnomAD compares: African/African-American, 0.0013%; no homozygotes.

Submission:

Labcorp Genetics (formerly Invitae), Labcorp
Classification: Uncertain significance. Last evaluated: 2022-12-03. Review status: criteria provided, single submitter. Criteria: Invitae Variant Classification Sherloc (09022015). Collection method: clinical testing. Allele origin: germline.
Comment: In summary, the available evidence is currently insufficient to determine the role of this variant in disease. Therefore, it has been classified as a Variant of Uncertain Significance. Algorithms developed to predict the effect of missense changes on protein structure and function (SIFT, PolyPhen-2, Align-GVGD) all suggest that this variant is likely to be tolerated. This variant has not been reported in the literature in individuals affected with DNM1L-related conditions. This variant is present in population databases (rs749615882, gnomAD 0.007%). This sequence change replaces proline, which is neutral and non-polar, with alanine, which is neutral and non-polar, at codon 205 of the DNM1L protein (p.Pro205Ala).

NM_012062.5(DNM1L):c.613C>G (p.Pro205Ala)

Gene: DNM1L (dynamin 1 like; plus strand). Cytogenetic location: 12p11.21.
Variant type: single nucleotide variant.
Coding change: c.613C>G on transcript NM_012062.5 (MANE Select); coding-DNA position 613, C replaced by G.
Protein change: p.Pro205Ala; replaces proline 205 with alanine.
Molecular consequence: missense variant. On other transcripts: intron variant (1).
Genome position (GRCh38, 1-based): chr12:32,713,365, C>G. VCF-style: chr12-32713365-C-G. GRCh37 (hg19) VCF-style: chr12-32866299-C-G.
Other names: c.613C>G, p.Pro205Ala (NM_001278463.2, NM_005690.5, NM_012063.4); c.652C>G, p.Pro218Ala (NM_001278464.2, NM_001278465.2, NM_001330380.2); c.131+5952C>G (NM_001278466.2); short protein forms P218A, P205A.
Identifiers: ClinVar variation 2818094 (VCV002818094.3), dbSNP rs749615882, ClinGen allele CA6507374.
Genomic context (GRCh38, chr12:32,713,365, plus strand): 5'-ACTGCTGCTAATACAGATATGGCAACATCAGAGGCACTTAAAATTTCAAGAGAGGTAGAT[C>G]CAGATGGTAAGGACAGATGTTAATTTAATGAGATGCTTATTTTACAATGGTAAATCTACC-3'
Protein context (NP_036192.2, residues 195-215): EALKISREVD[Pro205Ala]DGRRTLAVIT